The following is an entry in ClinVar:

NM_006949.4(STXBP2):c.541G>A (p.Ala181Thr)

Gene: STXBP2 (syntaxin binding protein 2; plus strand). Cytogenetic location: 19p13.2.
Variant type: single nucleotide variant.
Coding change: c.541G>A on transcript NM_006949.4 (MANE Select); coding-DNA position 541, G replaced by A.
Protein change: p.Ala181Thr; replaces alanine 181 with threonine.
Molecular consequence: missense variant. On other transcripts: non-coding transcript variant (1).
Genome position (GRCh38, 1-based): chr19:7,641,816, G>A. VCF-style: chr19-7641816-G-A. GRCh37 (hg19) VCF-style: chr19-7706702-G-A.
Other names: c.532G>A, p.Ala178Thr (NM_001127396.3); c.574G>A, p.Ala192Thr (NM_001272034.2); short protein forms A181T, A178T, A192T.
Identifiers: ClinVar variation 1379056 (VCV001379056.3), dbSNP rs1338883281, ClinGen allele CA403158437.
Genomic context (GRCh38, chr19:7,641,816, plus strand): 5'-CGGGCAGAGGAGCGCACGCGGCAGCTCGAGGTGCTGGCCCAGCAGATTGCCACGCTGTGC[G>A]CCACCCTGCAGGAGTACCCGGCCATCCGCTACCGCAAGTGGGGACCCCACCCAGCCCCAC-3'
Protein context (NP_008880.2, residues 171-191): VLAQQIATLC[Ala181Thr]TLQEYPAIRY

ClinVar aggregate classification (germline): Uncertain significance (1 of 4 stars; one submission).

Conditions:
Familial hemophagocytic lymphohistiocytosis 5. Also called: STXBP2-Related Familial Hemophagocytic Lymphohistiocytosis (STXBP2-fHLH). Identifiers: Orphanet 540, MedGen C2751293, MONDO:0013135, OMIM 613101.

Allele frequency attached by ClinVar (database versions not stated): TOPMed 0.00002; gnomAD exomes 0.00004.

Submission:

Labcorp Genetics (formerly Invitae), Labcorp
Classification: Uncertain significance for Familial hemophagocytic lymphohistiocytosis 5. Last evaluated: 2022-06-24. Review status: criteria provided, single submitter. Criteria: Invitae Variant Classification Sherloc (09022015). Collection method: clinical testing. Allele origin: germline.
Comment: This sequence change replaces alanine, which is neutral and non-polar, with threonine, which is neutral and polar, at codon 181 of the STXBP2 protein (p.Ala181Thr). This variant is present in population databases (no rsID available, gnomAD 0.02%). This variant has not been reported in the literature in individuals affected with STXBP2-related conditions. Algorithms developed to predict the effect of missense changes on protein structure and function output the following: SIFT: "Tolerated"; PolyPhen-2: "Benign"; Align-GVGD: "Class C0". The threonine amino acid residue is found in multiple mammalian species, which suggests that this missense change does not adversely affect protein function. In summary, the available evidence is currently insufficient to determine the role of this variant in disease. Therefore, it has been classified as a Variant of Uncertain Significance.